The following is an entry in ClinVar:

NM_206933.4(USH2A):c.4117del (p.Leu1373fs)

Genes: USH2A (usherin; minus strand), USH2A-AS1 (USH2A antisense RNA 1; plus strand). Cytogenetic location: 1q41.
Variant type: Deletion.
Coding change: c.4117del on transcript NM_206933.4 (MANE Select); coding-DNA position 4117, one base deleted (C; older notation c.4117delC).
Protein change: p.Leu1373fs; shifts the reading frame from leucine 1373.
Molecular consequence: frameshift variant.
Genome position (GRCh38, 1-based): chr1:216,196,687, G deleted on the plus strand (C on the coding strand, the reverse complement: USH2A is on the minus strand); the first of 4 consecutive G bases (chr1:216,196,687-216,196,690); deleting any one gives the same sequence. VCF-style (leftmost placement, unchanged base first): chr1-216196686-AG-A. GRCh37 (hg19) VCF-style: chr1-216370028-AG-A.
Other names: c.4117del, p.Leu1373fs (NM_007123.6); short protein forms L1373fs.
Identifiers: ClinVar variation 5005985 (VCV005005985.2).
Genomic context (GRCh38, chr1:216,196,686, plus strand): 5'-TTTCCTCTTGTAACATTATCTGCTGGCTTCTCCCAGGAGATATTGAGAGAGTACGAAGAG[AG>A]GGGAAAGACTGAAGGAGGGATCATGAATACAGGTGCTATCAATGAGAACAATAACAATAA-3'

ClinVar aggregate classification (germline): Likely pathogenic (1 of 4 stars; one submission).

Conditions:
Retinitis pigmentosa 39 (RP39). Identifiers: Orphanet 791, MedGen C3151138, MONDO:0013436, OMIM 613809.
Usher syndrome type 2A. Also called: USHER SYNDROME, TYPE IIA; RETINAL DISEASE IN USHER SYNDROME TYPE IIA, MODIFIER OF. Identifiers: Orphanet 231178, Orphanet 886, MedGen C1848634, MONDO:0010169, OMIM 276901.

Submission:

Juno Genomics, Hangzhou Juno Genomics, Inc
Classification: Likely pathogenic for Retinitis pigmentosa 39; Usher syndrome type 2A. Review status: criteria provided, single submitter. Criteria: ACMG Guidelines, 2015. Collection method: clinical testing. Allele origin: germline.
Comment: Null variant in a gene where loss of function (LOF) is a known mechanism of disease.;Absent from controls (or at extremely low frequency if recessive) in Genome Aggregation Database.